The following is an entry in ClinVar:

NM_001267550.2(TTN):c.45583dup (p.Ala15195fs)

Genes: TTN (titin; minus strand), LOC126806427 (BRD4-independent group 4 enhancer GRCh37_chr2:179485777-179486976; plus strand). Cytogenetic location: 2q31.2.
Variant type: Duplication.
Coding change: c.45583dup on transcript NM_001267550.2 (MANE Select); coding-DNA position 45583, one base duplicated (G; older notation c.45583dupG).
Protein change: p.Ala15195fs; shifts the reading frame from alanine 15195.
Molecular consequence: frameshift variant.
Genome position (GRCh38, 1-based): chr2:178,621,135, C duplicated on the plus strand (G on the coding strand, the reverse complement: TTN is on the minus strand); the first of 4 consecutive C bases (chr2:178,621,135-178,621,138); duplicating any one gives the same sequence. VCF-style (leftmost placement, unchanged base first): chr2-178621134-G-GC. GRCh37 (hg19) VCF-style: chr2-179485861-G-GC.
Other names: c.40660dup, p.Ala13554fs (NM_001256850.1); c.18388dup, p.Ala6130fs (NM_003319.4); c.37879dup, p.Ala12627fs (NM_133378.4); c.18763dup, p.Ala6255fs (NM_133432.3); c.18964dup, p.Ala6322fs (NM_133437.4); short protein forms A12627fs, A13554fs, A15195fs, A6130fs, A6255fs, A6322fs.
Identifiers: ClinVar variation 3382160 (VCV003382160.3).
Genomic context (GRCh38, chr2:178,621,134, plus strand): 5'-AAAACCCTAAAAGCAAGAACAAACTTACCAATGACTGTCAAGTGAGCTGCTGCTCTGGCG[G>GC]CCCCTACCATGACAACGTAAGTGCCCATATCTTGTAATGTGGCATCTTTCACAACTAGGA-3'

ClinVar aggregate classification (germline): Likely pathogenic (1 of 4 stars; one submission).

Conditions:
Dilated cardiomyopathy 1G (CMD1G). Identifiers: Orphanet 154, MedGen C1858763, MONDO:0011400, OMIM 604145.
Hypertrophic cardiomyopathy 9. Also called: Familial hypertrophic cardiomyopathy 9. Identifiers: MedGen C1861065, MONDO:0013412, OMIM 613765.
Early-onset myopathy with fatal cardiomyopathy (CMYO5). Also called: Salih Myopathy; CONGENITAL MYOPATHY 5 WITH CARDIOMYOPATHY. Identifiers: Orphanet 289377, MedGen C2673677, MONDO:0012714, OMIM 611705. Disease mechanism: loss of function.
Tibial muscular dystrophy (TMD). Also called: Tibial muscular dystrophy, tardive; Udd Distal Myopathy – Tibial Muscular Dystrophy; UDD MYOPATHY. Identifiers: Orphanet 609, MedGen C1838244, MONDO:0010870, OMIM 600334.
Autosomal recessive limb-girdle muscular dystrophy type 2J (LGMDR10). Also called: MUSCULAR DYSTROPHY, LIMB-GIRDLE, AUTOSOMAL RECESSIVE 10; Limb-girdle muscular dystrophy, type 2J. Identifiers: Orphanet 140922, MedGen C1837342, MONDO:0012127, OMIM 608807.
Myopathy, myofibrillar, 9, with early respiratory failure (MFM9). Also called: EDSTROM MYOPATHY; Myopathy, distal, with early respiratory failure, autosomal dominant; Hereditary myopathy with early respiratory failure; MYOPATHY, PROXIMAL, WITH EARLY RESPIRATORY MUSCLE INVOLVEMENT. Identifiers: Orphanet 178464, Orphanet 34521, MedGen C1863599, MONDO:0011362, OMIM 603689.

Submission:

Juno Genomics, Hangzhou Juno Genomics, Inc
Classification: Likely pathogenic for Early-onset myopathy with fatal cardiomyopathy; Dilated cardiomyopathy 1G; Hypertrophic cardiomyopathy 9; Autosomal recessive limb-girdle muscular dystrophy type 2J; Myopathy, myofibrillar, 9, with early respiratory failure; Tibial muscular dystrophy. Review status: criteria provided, single submitter. Criteria: ACMG Guidelines, 2015. Collection method: clinical testing. Allele origin: germline.
Comment: Null variant in a gene where loss of function (LOF) is a known mechanism of disease.;Absent from controls (or at extremely low frequency if recessive) in Genome Aggregation Database.